The following is an entry in ClinVar:

NM_000352.6(ABCC8):c.946G>A (p.Gly316Arg)

Gene: ABCC8 (ATP binding cassette subfamily C member 8; minus strand). Cytogenetic location: 11p15.1.
Variant type: single nucleotide variant.
Coding change: c.946G>A on transcript NM_000352.6 (MANE Select); coding-DNA position 946, G replaced by A.
Protein change: p.Gly316Arg; replaces glycine 316 with arginine.
Molecular consequence: missense variant. On other transcripts: non-coding transcript variant (1).
Genome position (GRCh38, 1-based): chr11:17,460,553, C>T on the plus strand (G>A on the coding strand, the complement: ABCC8 is on the minus strand). VCF-style: chr11-17460553-C-T. GRCh37 (hg19) VCF-style: chr11-17482100-C-T.
Other names: NM_000352.6(ABCC8):c.946G>A; p.Gly316Arg; c.946G>A (NM_000352.4, NM_000352.3); c.946G>A, p.Gly316Arg (NM_001287174.3, NM_001351295.2); c.943G>A, p.Gly315Arg (NM_001351296.2, NM_001351297.2); short protein forms G315R, G316R.
Identifiers: ClinVar variation 1687413 (VCV001687413.8), dbSNP rs1201126343, ClinGen allele CA379776569.

ClinVar aggregate classification (germline): Conflicting classifications of pathogenicity. Review status: criteria provided, conflicting classifications (1 of 4 stars). 9 submissions from 9 submitters: Likely pathogenic (5); Uncertain significance (4). Last evaluated 2026-02-03.

Conditions:
Type 2 diabetes mellitus. Also called: Type II diabetes mellitus. Identifiers: MedGen C0011860, MeSH D003924, MONDO:0005148, OMIM 125853, HP:0005978.
Diabetes mellitus, transient neonatal, 2 (TNDM2). Identifiers: Orphanet 99886, MedGen C1835887, MONDO:0012480, OMIM 610374. Disease mechanism: loss of function.
Hyperinsulinemic hypoglycemia, familial, 1 (HHF1). Also called: HYPERINSULINISM, FAMILIAL, WITH PANCREATIC NESIDIOBLASTOSIS; HYPOGLYCEMIA, HYPERINSULINEMIC, OF INFANCY; NESIDIOBLASTOSIS OF PANCREAS; Persistent hyperinsulinemic hypoglycemia of infancy; Persistent Hyperinsulinemia Hypoglycemia of Infancy. Identifiers: Orphanet 276575, Orphanet 276598, MedGen C2931832, MONDO:0009734, OMIM 256450.
Leucine-induced hypoglycemia (LIH). Also called: LEUCINE-SENSITIVE HYPOGLYCEMIA OF INFANCY. Identifiers: MedGen C0271714, MONDO:0009415, OMIM 240800.
Diabetes mellitus, permanent neonatal 3. Also called: ABCC8-Related Permanent Neonatal Diabetes Mellitus. Identifiers: MedGen C5394303, MONDO:0030088, OMIM 618857.
Familial hyperinsulinism. Also called: Congenital hyperinsulinism. Identifiers: Orphanet 276525, MedGen C3888018, MONDO:0017182. Disease mechanism: loss of function.
Pulmonary arterial hypertension. Identifiers: Orphanet 182090, MedGen C2973725, MeSH D000081029, MONDO:0015924, HP:0002092.
Hereditary hyperinsulinism.
ABCC8-related disorder.

Allele frequency attached by ClinVar (database versions not stated): gnomAD 0.00001; gnomAD exomes 0.00001 and 0.00002.
gnomAD v4.1: 26 of 1,613,896 alleles (0.0016%); highest among the groups gnomAD compares: South Asian, 0.0044%; no homozygotes.

Submissions (9):

GeneDx
Classification: Uncertain significance. Last evaluated: 2026-02-03. Review status: criteria provided, single submitter. Criteria: GeneDx Variant Classification Process June 2021. Collection method: clinical testing. Allele origin: germline.
Comment: In silico analysis supports that this missense variant has a deleterious effect on protein structure/function; This variant is associated with the following publications: (PMID: 31525223, 30386300, 34253504, 26545620, Zhang2023[Preprint], 33046911, 37988593, 31291970, Koc2025[Poster], 36699461)

First Genomix Gene Laboratory, Genetic Diagnostics Department
Classification: Likely pathogenic for Diabetes mellitus, permanent neonatal 3; Hyperinsulinemic hypoglycemia, familial, 1. Last evaluated: 2025-09-15. Review status: criteria provided, single submitter. Criteria: ACMG Guidelines, 2015. Collection method: clinical testing. Allele origin: germline. Inheritance: Autosomal recessive inheritance. Affected: no. Observed: 1 variant allele.

Natera, Inc.
Classification: Likely pathogenic for Hereditary hyperinsulinism. Last evaluated: 2024-12-30. Review status: criteria provided, single submitter. Criteria: Natera Variant Classification Schema (03/2026). Collection method: clinical testing. Allele origin: germline.
Comment: The c.946G>A variant in ABCC8 is a missense variant predicted to cause substitution of glycine to arginine at amino acid 316. This variant is rare in the general population with a frequency below the threshold expected for the associated phenotype(s). This variant has been observed in one or more individuals affected with the associated recessive disease, as either homozygous or compound heterozygous with a second variant (PMID: 34253504, 36699461). Computational prediction algorithms indicate this variant is likely to affect gene or protein function. Given the available evidence, this variant is classified as Likely Pathogenic.

Blueprint Genetics
Classification: Likely pathogenic for ABCC8-related disorders. Last evaluated: 2024-09-10. Review status: criteria provided, single submitter. Criteria: ACMG Guidelines, 2015. Collection method: clinical testing. Allele origin: germline. Affected: yes. Observed: 4 variant alleles.

Women's Health and Genetics/Laboratory Corporation of America, LabCorp
Classification: Likely pathogenic for Familial hyperinsulinism. Last evaluated: 2023-10-10. Review status: criteria provided, single submitter. Criteria: LabCorp Variant Classification Summary - May 2015. Collection method: clinical testing. Allele origin: germline.
Comment: Variant summary: ABCC8 c.946G>A (p.Gly316Arg) results in a non-conservative amino acid change located in the ABC transporter type 1, transmembrane domain (IPR011527) of the encoded protein sequence. Four of five in-silico tools predict a damaging effect of the variant on protein function. The variant allele was found at a frequency of 8e-06 in 251086 control chromosomes. c.946G>A has been reported in the literature in homozygous and compound heterozygous individuals (Kagan_2022, Nvoa-Medina_2021) and also in heterozygous individuals (Wu_2016, Craigie_2018) affected with Congenital Hyperinsulinism. These data indicate that the variant is likely to be associated with disease. To our knowledge, no experimental evidence demonstrating an impact on protein function has been reported. The following publications have been ascertained in the context of this evaluation (PMID: 30386300, 31291970, 36699461, 31525223, 34253504, 26545620). Three submitters have cited clinical-significance assessments for this variant to ClinVar after 2014 and classified as VUS (n=2) and likely pathogenic (n=1). Based on the evidence outlined above, the variant was classified as likely pathogenic.

Broad Center for Mendelian Genomics, Broad Institute of MIT and Harvard
Classification: Likely pathogenic for Hyperinsulinemic hypoglycemia, familial, 1. Last evaluated: 2023-08-16. Review status: criteria provided, single submitter. Criteria: ACMG Guidelines, 2015. Collection method: curation. Allele origin: germline. Inheritance: Autosomal recessive inheritance.
Comment: The p.Gly316Arg variant in ABCC8 has been previously reported in 5 individuals with hyperinsulinemic hypoglycemia (PMID: 34253504, 26545620, Mohamed 2016, Han 2016), and has been seen in 0.004% (1/24924) of European (Finnish) chromosomes by the Genome Aggregation Database (gnomAD; dbSNP: rs1201126343). Although this variant has been seen in the general population in a heterozygous state, its frequency is low enough to be consistent with a recessive carrier frequency. This variant has also been reported in ClinVar (Variation ID: 687413) and has been interpreted as a variant of uncertain significance by 3billion. Of the 5 affected individuals, 3 were compound heterozygotes that carried reported likely pathogenic variants in trans, which increases the likelihood that the p.Gly316Arg variant is pathogenic (PMID: 34253504, Mohamed 2016). Computational prediction tools and conservation analyses suggest that this variant may impact the protein, though this information is not predictive enough to determine pathogenicity. In summary, although additional studies are required to fully establish its clinical significance, this variant is likely pathogenic for autosomal recessive hyperinsulinemic hypoglycemia. ACMG/AMP Criteria applied: PM3_strong, PP3, PM2_supporting (Richards 2015).

Department of Pathology and Laboratory Medicine, Sinai Health System
Classification: Uncertain significance for pulmonary arterial hypertension. Last evaluated: 2022-06-28. Review status: criteria provided, single submitter. Criteria: ACMG Guidelines, 2015. Collection method: research. Allele origin: germline.

3billion
Classification: Uncertain significance for Hyperinsulinemic hypoglycemia, familial, 1. Last evaluated: 2022-05-22. Review status: criteria provided, single submitter. Criteria: ACMG Guidelines, 2015. Collection method: clinical testing. Allele origin: germline. Affected: yes. Observed: 1 homozygote.
Comment: The variant is observed at an extremely low frequency in the gnomAD v2.1.1 dataset (total allele frequency: 0.001%). In silico tool predictions suggest damaging effect of the variant on gene or gene product (REVEL: 0.86; 3Cnet: 0.83). Same nucleotide change resulting in same amino acid change has been previously reported to be associated with ABCC8 related disorder (PMID: 26545620). However, the evidence of pathogenicity is insufficient at this time. Therefore, this variant is classified as uncertain significanceaccording to the recommendation of ACMG/AMP guideline.

Fulgent Genetics
Classification: Uncertain significance for Type 2 diabetes mellitus; Leucine-induced hypoglycemia; Hyperinsulinemic hypoglycemia, familial, 1; Diabetes mellitus, transient neonatal, 2; Diabetes mellitus, permanent neonatal 3. Last evaluated: 2021-10-14. Review status: criteria provided, single submitter. Criteria: ACMG Guidelines, 2015. Collection method: clinical testing. Allele origin: unknown.

Literature cited by the submitters: PubMed 34253504 (cited by Natera, Inc. and Women's Health and Genetics/Laboratory Corporation of America, LabCorp); PubMed 36699461 (cited by Natera, Inc. and Women's Health and Genetics/Laboratory Corporation of America, LabCorp); PubMed 30386300 (cited by Women's Health and Genetics/Laboratory Corporation of America, LabCorp); PubMed 31291970 (cited by Women's Health and Genetics/Laboratory Corporation of America, LabCorp); PubMed 31525223 (cited by Women's Health and Genetics/Laboratory Corporation of America, LabCorp); PubMed 26545620 (cited by Women's Health and Genetics/Laboratory Corporation of America, LabCorp and 3billion).